The following is an entry in ClinVar:

NM_001006658.3(CR2):c.659G>A (p.Arg220Gln)

Gene: CR2 (complement C3d receptor 2; plus strand). Cytogenetic location: 1q32.2.
Variant type: single nucleotide variant.
Coding change: c.659G>A on transcript NM_001006658.3 (MANE Select); coding-DNA position 659, G replaced by A.
Protein change: p.Arg220Gln; replaces arginine 220 with glutamine.
Molecular consequence: missense variant.
Genome position (GRCh38, 1-based): chr1:207,468,824, G>A. VCF-style: chr1-207468824-G-A. GRCh37 (hg19) VCF-style: chr1-207642169-G-A.
Other names: c.659G>A, p.Arg220Gln (NM_001877.5); short protein forms R220Q.
Identifiers: ClinVar variation 658999 (VCV000658999.12), dbSNP rs147633291, ClinGen allele CA1368504.
Genomic context (GRCh38, chr1:207,468,824, plus strand): 5'-TTGCCATGCATTTCTCATCTTTGGTTTGTTTTTTAGAGGCACGCTGTAAATCTCTAGGAC[G>A]ATTTCCCAATGGGAAGGTAAAGGAGCCTCCAATTCTCCGGGTTGGTGTAACTGCAAACTT-3'
Protein context (NP_001006659.1, residues 210-230): CEEARCKSLG[Arg220Gln]FPNGKVKEPP

ClinVar aggregate classification (germline): Conflicting classifications of pathogenicity. Review status: criteria provided, conflicting classifications (1 of 4 stars). 3 submissions from 3 submitters: Uncertain significance (2); Likely benign (1). Last evaluated 2026-03-09.

Conditions:
Inborn genetic diseases. Identifiers: MedGen C0950123, MeSH D030342.
Immunodeficiency, common variable, 7. Identifiers: Orphanet 1572, Orphanet 696894, MedGen C3542922, MONDO:0013862, OMIM 614699.
CR2-related disorder. Also called: CR2-related condition; CR2-related disorders.

Allele frequency attached by ClinVar (database versions not stated): ExAC 0.00003; TOPMed 0.00005; ESP Exome Variant Server 0.00008.
gnomAD v4.1: 29 of 1,613,858 alleles (0.0018%); highest among the groups gnomAD compares: Middle Eastern, 0.016%; no homozygotes.

Submissions (3):

PreventionGenetics, part of Exact Sciences
Classification: Uncertain significance for CR2-related condition. Last evaluated: 2026-03-09. Review status: criteria provided, single submitter. Criteria: ACMG Guidelines, 2015. Collection method: clinical testing. Allele origin: germline.
Comment: The CR2 c.659G>A variant is predicted to result in the amino acid substitution p.Arg220Gln. To our knowledge, this variant has not been reported in the literature. This variant is reported in 0.0080% of alleles in individuals of African descent in gnomAD. At this time, the clinical significance of this variant is uncertain due to the absence of conclusive functional and genetic evidence.

Labcorp Genetics (formerly Invitae), Labcorp
Classification: Uncertain significance for Immunodeficiency, common variable, 7. Last evaluated: 2025-06-11. Review status: criteria provided, single submitter. Criteria: Invitae Variant Classification Sherloc (09022015). Collection method: clinical testing. Allele origin: germline.
Comment: This sequence change replaces arginine, which is basic and polar, with glutamine, which is neutral and polar, at codon 220 of the CR2 protein (p.Arg220Gln). This variant is present in population databases (rs147633291, gnomAD 0.008%). This variant has not been reported in the literature in individuals affected with CR2-related conditions. ClinVar contains an entry for this variant (Variation ID: 658999). An algorithm developed to predict the effect of missense changes on protein structure and function outputs the following: PolyPhen-2: "Benign". The glutamine amino acid residue is found in multiple mammalian species, which suggests that this missense change does not adversely affect protein function. In summary, the available evidence is currently insufficient to determine the role of this variant in disease. Therefore, it has been classified as a Variant of Uncertain Significance.

Ambry Genetics
Classification: Likely benign for Inborn genetic diseases. Last evaluated: 2021-06-11. Review status: criteria provided, single submitter. Criteria: Ambry Variant Classification Scheme 2023. Collection method: clinical testing. Allele origin: germline.